The following is an entry in ClinVar:

ClinVar aggregate classification (germline): Pathogenic (1 of 4 stars; one submission).

Conditions:
Tuberous sclerosis 1 (TSC1). Identifiers: Orphanet 805, MedGen C1854465, MONDO:0008612, OMIM 191100.

Submission:

Labcorp Genetics (formerly Invitae), Labcorp
Classification: Pathogenic for Tuberous sclerosis 1. Last evaluated: 2020-10-21. Review status: criteria provided, single submitter. Criteria: Invitae Variant Classification Sherloc (09022015). Collection method: clinical testing. Allele origin: germline.
Comment: For these reasons, this variant has been classified as Pathogenic. Donor and acceptor splice site variants typically lead to a loss of protein function (PMID: 16199547), and loss-of-function variants in TSC1 are known to be pathogenic (PMID: 10227394, 17304050). Algorithms developed to predict the effect of sequence changes on RNA splicing suggest that this variant may disrupt the consensus splice site, but this prediction has not been confirmed by published transcriptional studies. Disruption of this splice site has been observed in individual(s) with tuberous sclerosis complex (PMID: 27859028). In at least one individual the variant was observed to be de novo. This variant is not present in population databases (ExAC no frequency). This sequence change affects a donor splice site in intron 9 of the TSC1 gene. It is expected to disrupt RNA splicing and likely results in an absent or disrupted protein product.

Literature cited by the submitters: PubMed 16199547; PubMed 10227394; PubMed 17304050; PubMed 27859028.

NM_000368.5(TSC1):c.913+1G>T

Gene: TSC1 (TSC complex subunit 1; minus strand). Cytogenetic location: 9q34.13.
Variant type: single nucleotide variant.
Coding change: c.913+1G>T on transcript NM_000368.5 (MANE Select); the canonical splice donor site of the intron after coding-DNA position 913, G replaced by T.
Molecular consequence: splice donor variant.
Genome position (GRCh38, 1-based): chr9:132,912,281, C>A on the plus strand (G>T on the coding strand, the complement: TSC1 is on the minus strand). VCF-style: chr9-132912281-C-A. GRCh37 (hg19) VCF-style: chr9-135787668-C-A.
Other names: c.550+1G>T (NM_001406620.1, NM_001406618.1, NM_001406625.1 and 10 more transcripts); c.760+1G>T (NM_001406613.1, NM_001406612.1, NM_001406610.1 and 2 more transcripts); c.-39+1G>T (NM_001406627.1, NM_001406628.1, NM_001406626.1); c.-181+1G>T (NM_001406629.1, NM_001406630.1); c.913+1G>T (NM_001406603.1, NM_001406609.1, NM_001406597.1 and 16 more transcripts).
Identifiers: ClinVar variation 1071252 (VCV001071252.9), dbSNP rs118203470, ClinGen allele CA375368964.